The following is an entry in ClinVar:

NM_005499.3(UBA2):c.1333G>A (p.Ala445Thr)

Gene: UBA2 (ubiquitin like modifier activating enzyme 2; plus strand). Cytogenetic location: 19q13.11.
Variant type: single nucleotide variant.
Coding change: c.1333G>A on transcript NM_005499.3 (MANE Select); coding-DNA position 1333, G replaced by A.
Protein change: p.Ala445Thr; replaces alanine 445 with threonine.
Molecular consequence: missense variant.
Genome position (GRCh38, 1-based): chr19:34,458,856, G>A. VCF-style: chr19-34458856-G-A. GRCh37 (hg19) VCF-style: chr19-34949761-G-A.
Other names: c.1045G>A, p.Ala349Thr (NM_001411139.1); short protein forms A349T, A445T.
Identifiers: ClinVar variation 3730949 (VCV003730949.1).

ClinVar aggregate classification (germline): Uncertain significance (1 of 4 stars; one submission).

Submission:

GeneDx
Classification: Uncertain significance. Last evaluated: 2024-08-15. Review status: criteria provided, single submitter. Criteria: GeneDx Variant Classification Process June 2021. Collection method: clinical testing. Allele origin: germline. Affected: yes.
Comment: Not observed at significant frequency in large population cohorts (gnomAD); In silico analysis indicates that this missense variant does not alter protein structure/function; Has not been previously published as pathogenic or benign to our knowledge